The following is an entry in ClinVar:

ClinVar aggregate classification (germline): Pathogenic (1 of 4 stars; one submission).

Conditions:
Marfan syndrome (MFS). Also called: MARFAN SYNDROME, TYPE I; Marfan syndrome type 1; Marfan's syndrome; Marfan syndrome, classic; FBN1-Related Marfan Syndrome. Identifiers: Orphanet 284963, Orphanet 558, MedGen C0024796, MONDO:0007947, OMIM 154700.
Familial thoracic aortic aneurysm and aortic dissection (TAAD). Also called: Thoracic aortic aneurysms and dissections. Identifiers: Orphanet 91387, MedGen C4707243, MONDO:0019625.

Submission:

Labcorp Genetics (formerly Invitae), Labcorp
Classification: Pathogenic for Marfan syndrome; Familial thoracic aortic aneurysm and aortic dissection. Last evaluated: 2025-08-18. Review status: criteria provided, single submitter. Criteria: Invitae Variant Classification Sherloc (09022015). Collection method: clinical testing. Allele origin: germline.
Comment: This sequence change creates a premature translational stop signal (p.Glu2342Glyfs*24) in the FBN1 gene. It is expected to result in an absent or disrupted protein product. Loss-of-function variants in FBN1 are known to be pathogenic (PMID: 17657824, 19293843). This variant is not present in population databases (gnomAD no frequency). This variant has not been reported in the literature in individuals affected with FBN1-related conditions. For these reasons, this variant has been classified as Pathogenic.

Literature cited by the submitters: PubMed 17657824; PubMed 19293843.

NM_000138.5(FBN1):c.7025_7026del (p.Glu2342fs)

Gene: FBN1 (fibrillin 1; minus strand). Cytogenetic location: 15q21.1.
Variant type: Microsatellite.
Coding change: c.7025_7026del on transcript NM_000138.5 (MANE Select); coding-DNA positions 7025 to 7026, 2 bases deleted (AG; older notation c.7025_7026delAG).
Protein change: p.Glu2342fs; shifts the reading frame from glutamic acid 2342.
Molecular consequence: frameshift variant.
Genome position (GRCh38, 1-based): chr15:48,427,745-48,427,746, CT deleted on the plus strand (AG on the coding strand, the reverse complement: FBN1 is on the minus strand); deleting any 2 consecutive bases within chr15:48,427,745-48,427,748 gives the same sequence; the c. name uses the placement nearest the transcript's 3' end. VCF-style (leftmost placement, unchanged base first): chr15-48427744-CCT-C. GRCh37 (hg19) VCF-style: chr15-48719941-CCT-C.
Other names: c.7025_7026del, p.Glu2342fs (NM_001406716.1); short protein forms E2342fs.
Identifiers: ClinVar variation 3759766 (VCV003759766.2).
Genomic context (GRCh38, chr15:48,427,744, plus strand): 5'-ATTCCGATTTGGTGACGGGGTTCCTGTTGCTGGAGCCGATCTGACACATGTTTTGTAGCA[CCT>C]CTGTGAAGCAGTACCCTTCCCGATTGTCTGGAAGGGACATTATATGGCAAAGGGGATGTC-3'